The following is an entry in ClinVar:

ClinVar aggregate classification (germline): Uncertain significance (1 of 4 stars; one submission).

Conditions:
Dystonia 5 (DRD). Also called: DYSTONIA, PROGRESSIVE, WITH DIURNAL VARIATION; DYSTONIA-PARKINSONISM WITH DIURNAL FLUCTUATION; GTP Cyclohydrolase 1-Deficient Dopa-Responsive Dystonia; DYT-GCH1; Dystonia, DOPA-responsive, with or without hyperphenylalaninemia. Identifiers: Orphanet 98808, MedGen C1851920, MONDO:0007495, OMIM 128230.
GTP cyclohydrolase I deficiency. Identifiers: MedGen C0268467, MONDO:0100184.

Allele frequency attached by ClinVar (database versions not stated): gnomAD exomes below 0.00001.
gnomAD v4.1: 1 of 1,505,928 alleles (0.000066%); highest among the groups gnomAD compares: Non-Finnish European, 0.000089%; no homozygotes.

Submission:

Labcorp Genetics (formerly Invitae), Labcorp
Classification: Uncertain significance for GTP cyclohydrolase I deficiency; Dystonia 5. Last evaluated: 2023-12-06. Review status: criteria provided, single submitter. Criteria: Invitae Variant Classification Sherloc (09022015). Collection method: clinical testing. Allele origin: germline.
Comment: This sequence change replaces serine, which is neutral and polar, with cysteine, which is neutral and slightly polar, at codon 33 of the GCH1 protein (p.Ser33Cys). This variant is not present in population databases (gnomAD no frequency). This variant has not been reported in the literature in individuals affected with GCH1-related conditions. ClinVar contains an entry for this variant (Variation ID: 1508497). Advanced modeling of protein sequence and biophysical properties (such as structural, functional, and spatial information, amino acid conservation, physicochemical variation, residue mobility, and thermodynamic stability) performed at Invitae indicates that this missense variant is not expected to disrupt GCH1 protein function with a negative predictive value of 95%. In summary, the available evidence is currently insufficient to determine the role of this variant in disease. Therefore, it has been classified as a Variant of Uncertain Significance.

NM_000161.3(GCH1):c.97A>T (p.Ser33Cys)

Genes: GCH1 (GTP cyclohydrolase 1; minus strand), LOC130055692 (ATAC-STARR-seq lymphoblastoid silent region 5776; plus strand). Cytogenetic location: 14q22.2.
Variant type: single nucleotide variant.
Coding change: c.97A>T on transcript NM_000161.3 (MANE Select); coding-DNA position 97, A replaced by T.
Protein change: p.Ser33Cys; replaces serine 33 with cysteine.
Molecular consequence: missense variant.
Genome position (GRCh38, 1-based): chr14:54,902,567, T>A on the plus strand (A>T on the coding strand, the complement: GCH1 is on the minus strand). VCF-style: chr14-54902567-T-A. GRCh37 (hg19) VCF-style: chr14-55369285-T-A.
Other names: c.97A>T, p.Ser33Cys (NM_001024024.2, NM_001024070.2, NM_001024071.2); short protein forms S33C.
Identifiers: ClinVar variation 1508497 (VCV001508497.6), dbSNP rs1373130817, ClinGen allele CA389794395.